The following is an entry in ClinVar:

ClinVar aggregate classification (germline): Uncertain significance (1 of 4 stars; one submission).

Conditions:
Severe combined immunodeficiency due to IKK2 deficiency. Also called: IMMUNODEFICIENCY 15B; Immunodeficiency 15. Identifiers: Orphanet 397787, MedGen C4747743, MONDO:0014267, OMIM 615592.

Submission:

Labcorp Genetics (formerly Invitae), Labcorp
Classification: Uncertain significance for Severe combined immunodeficiency due to IKK2 deficiency. Last evaluated: 2023-10-09. Review status: criteria provided, single submitter. Criteria: Invitae Variant Classification Sherloc (09022015). Collection method: clinical testing. Allele origin: germline.
Comment: This sequence change replaces leucine, which is neutral and non-polar, with methionine, which is neutral and non-polar, at codon 494 of the IKBKB protein (p.Leu494Met). This variant is not present in population databases (gnomAD no frequency). This variant has not been reported in the literature in individuals affected with IKBKB-related conditions. Advanced modeling of protein sequence and biophysical properties (such as structural, functional, and spatial information, amino acid conservation, physicochemical variation, residue mobility, and thermodynamic stability) performed at Invitae indicates that this missense variant is not expected to disrupt IKBKB protein function. In summary, the available evidence is currently insufficient to determine the role of this variant in disease. Therefore, it has been classified as a Variant of Uncertain Significance.

NM_001556.3(IKBKB):c.1480C>A (p.Leu494Met)

Gene: IKBKB (inhibitor of nuclear factor kappa B kinase subunit beta; plus strand). Cytogenetic location: 8p11.21.
Variant type: single nucleotide variant.
Coding change: c.1480C>A on transcript NM_001556.3 (MANE Select); coding-DNA position 1480, C replaced by A.
Protein change: p.Leu494Met; replaces leucine 494 with methionine.
Molecular consequence: missense variant. On other transcripts: non-coding transcript variant (3).
Genome position (GRCh38, 1-based): chr8:42,319,385, C>A. VCF-style: chr8-42319385-C-A. GRCh37 (hg19) VCF-style: chr8-42176903-C-A.
Other names: c.1288C>A, p.Leu430Met (NM_001190720.3); c.1303C>A, p.Leu435Met (NM_001242778.2); short protein forms L494M, L430M, L435M.
Identifiers: ClinVar variation 2767119 (VCV002767119.3), dbSNP rs373147900, ClinGen allele CA371090522.